The following is an entry in ClinVar:

ClinVar aggregate classification (germline): Uncertain significance (1 of 4 stars; one submission).

Conditions:
Fanconi anemia (FA). Also called: Fanconi's anemia. Identifiers: Orphanet 84, MedGen C0015625, MeSH D005199, MONDO:0019391.

Submission:

Labcorp Genetics (formerly Invitae), Labcorp
Classification: Uncertain significance for Fanconi anemia. Last evaluated: 2024-12-29. Review status: criteria provided, single submitter. Criteria: Invitae Variant Classification Sherloc (09022015). Collection method: clinical testing. Allele origin: germline.
Comment: This sequence change replaces proline, which is neutral and non-polar, with alanine, which is neutral and non-polar, at codon 1194 of the FANCA protein (p.Pro1194Ala). This variant is not present in population databases (gnomAD no frequency). This variant has not been reported in the literature in individuals affected with FANCA-related conditions. Invitae Evidence Modeling of protein sequence and biophysical properties (such as structural, functional, and spatial information, amino acid conservation, physicochemical variation, residue mobility, and thermodynamic stability) indicates that this missense variant is not expected to disrupt FANCA protein function with a negative predictive value of 95%. This variant disrupts the p.Pro1194 amino acid residue in FANCA. Other variant(s) that disrupt this residue have been determined to be pathogenic (PMID: 15523645, 32487094). This suggests that this residue is clinically significant, and that variants that disrupt this residue are likely to be disease-causing. In summary, the available evidence is currently insufficient to determine the role of this variant in disease. Therefore, it has been classified as a Variant of Uncertain Significance.

Literature cited by the submitters: PubMed 15523645; PubMed 32487094.

NM_000135.4(FANCA):c.3580C>G (p.Pro1194Ala)

Gene: FANCA (FA complementation group A; minus strand). Cytogenetic location: 16q24.3.
Variant type: single nucleotide variant.
Coding change: c.3580C>G on transcript NM_000135.4 (MANE Select); coding-DNA position 3580, C replaced by G.
Protein change: p.Pro1194Ala; replaces proline 1194 with alanine.
Molecular consequence: missense variant.
Genome position (GRCh38, 1-based): chr16:89,745,005, G>C on the plus strand (C>G on the coding strand, the complement: FANCA is on the minus strand). VCF-style: chr16-89745005-G-C. GRCh37 (hg19) VCF-style: chr16-89811413-G-C.
Other names: c.3580C>G, p.Pro1194Ala (NM_001286167.3); short protein forms P1194A.
Identifiers: ClinVar variation 3642880 (VCV003642880.2).
Genomic context (GRCh38, chr16:89,745,005, plus strand): 5'-CCACCCACACGTACTCGCTGGCAAACTGCCGGCCTTCTTGTAGCTTCTGCAGTTCCCGGG[G>C]CAGCGGGCTCTGGCAGTGTCTCCTCCACCGGCAGAGCAGCACAGGCTCCAGGCTCGGCCA-3'
Protein context (NP_000126.2, residues 1184-1204): RWRRHCQSPL[Pro1194Ala]RELQKLQEGR